The following is an entry in ClinVar:

NM_001267550.2(TTN):c.1166G>T (p.Ser389Ile)

Gene: TTN (titin; minus strand). Cytogenetic location: 2q31.2.
Variant type: single nucleotide variant.
Coding change: c.1166G>T on transcript NM_001267550.2 (MANE Select); coding-DNA position 1166, G replaced by T.
Protein change: p.Ser389Ile; replaces serine 389 with isoleucine.
Molecular consequence: missense variant.
Genome position (GRCh38, 1-based): chr2:178,795,001, C>A on the plus strand (G>T on the coding strand, the complement: TTN is on the minus strand). VCF-style: chr2-178795001-C-A. GRCh37 (hg19) VCF-style: chr2-179659728-C-A.
Other names: c.1166G>T, p.Ser389Ile (NM_001256850.1, NM_003319.4, NM_133378.4 and 3 more transcripts); short protein forms S389I.
Identifiers: ClinVar variation 3251194 (VCV003251194.18), dbSNP rs1459850037.

ClinVar aggregate classification (germline): Uncertain significance (1 of 4 stars; one submission).

gnomAD v4.1: 1 of 1,610,310 alleles (0.000062%); highest among the groups gnomAD compares: Middle Eastern, 0.016%; no homozygotes.

Submission:

CeGaT Center for Human Genetics Tuebingen
Classification: Uncertain significance. Last evaluated: 2024-06-01. Review status: criteria provided, single submitter. Criteria: CeGaT Center For Human Genetics Tuebingen Variant Classification Criteria Version 2. Collection method: clinical testing. Allele origin: germline. Affected: yes. Observed: 1 variant allele.
Comment: TTN: PM2, BP4